The following is an entry in ClinVar:

NM_152416.4(NDUFAF6):c.873+97C>T

Gene: NDUFAF6 (NADH:ubiquinone oxidoreductase complex assembly factor 6; plus strand). Cytogenetic location: 8q22.1.
Variant type: single nucleotide variant.
Coding change: c.873+97C>T on transcript NM_152416.4 (MANE Select); 97 bases into the intron after coding-DNA position 873, C replaced by T.
Molecular consequence: intron variant.
Genome position (GRCh38, 1-based): chr8:95,052,327, C>T. VCF-style: chr8-95052327-C-T. GRCh37 (hg19) VCF-style: chr8-96064555-C-T.
Other names: c.483+3769C>T (NM_001354534.2); c.597+97C>T (NM_001354514.2, NM_001354515.2, NM_001330582.2); c.417+97C>T (NM_001354525.2, NM_001354524.2, NM_001354522.2 and 7 more transcripts); c.717+97C>T (NM_001354516.2); c.540+97C>T (NM_001354518.2, NM_001354519.2, NM_001354517.2); c.540+3769C>T (NM_001354521.2).
Identifiers: ClinVar variation 675477 (VCV000675477.1), dbSNP rs7842100, ClinGen allele CA181477930.
Genomic context (GRCh38, chr8:95,052,327, plus strand): 5'-AAGCAGATGTGTATGATCTGTTTTTATATTTTATAAAGTTCCCAATGAACTTCTTTAGTT[C>T]GGAGCCTTTGTTTTTGTTTCCCTCCCTCATGGCGGCTTTCATTAGTTACTGATGCTTTTG-3'

ClinVar aggregate classification (germline): Benign (1 of 4 stars; one submission).

Allele frequency attached by ClinVar (database versions not stated): gnomAD 0.02065; TOPMed 0.02263; 1000 Genomes Project 0.02436; 1000 Genomes Project 30x 0.02748.
gnomAD v4.1: 5,687 of 1,338,130 alleles (0.42%); highest among the groups gnomAD compares: African/African-American, 7.2%; 193 homozygotes.

Submission:

GeneDx
Classification: Benign. Last evaluated: 2018-06-16. Review status: criteria provided, single submitter. Criteria: GeneDx Variant Classification (06012015). Collection method: clinical testing. Allele origin: germline. Affected: yes.
Comment: This variant is considered likely benign or benign based on one or more of the following criteria: it is a conservative change, it occurs at a poorly conserved position in the protein, it is predicted to be benign by multiple in silico algorithms, and/or has population frequency not consistent with disease.